The following is an entry in ClinVar:

ClinVar aggregate classification (germline): Uncertain significance. Review status: criteria provided, multiple submitters, no conflicts (2 of 4 stars). 2 submissions from 2 submitters: Uncertain significance (2). Last evaluated 2025-10-15.

Conditions:
Inborn genetic diseases. Identifiers: MedGen C0950123, MeSH D030342.
Pulmonary fibrosis and/or bone marrow failure, Telomere-related, 3. Also called: PULMONARY FIBROSIS AND/OR BONE MARROW FAILURE SYNDROME, TELOMERE-RELATED, 3. Identifiers: Orphanet 2032, MedGen C4225346, MONDO:0014613, OMIM 616373.
Dyskeratosis congenita, autosomal recessive 5 (DKCB5). Identifiers: MedGen C3554656, MONDO:0014076, OMIM 615190.

Allele frequency attached by ClinVar (database versions not stated): gnomAD exomes below 0.00001; TOPMed 0.00002.
gnomAD v4.1: 5 of 1,588,286 alleles (0.00031%); highest among the groups gnomAD compares: Non-Finnish European, 0.00043%; no homozygotes.

Submissions (2):

Labcorp Genetics (formerly Invitae), Labcorp
Classification: Uncertain significance for Dyskeratosis congenita, autosomal recessive 5; Pulmonary fibrosis and/or bone marrow failure, Telomere-related, 3. Last evaluated: 2025-10-15. Review status: criteria provided, single submitter. Criteria: Invitae Variant Classification Sherloc (09022015). Collection method: clinical testing. Allele origin: germline.
Comment: This sequence change replaces alanine, which is neutral and non-polar, with threonine, which is neutral and polar, at codon 92 of the RTEL1 protein (p.Ala92Thr). The frequency data for this variant in the population databases is considered unreliable, as metrics indicate poor data quality at this position in the gnomAD database. This variant has not been reported in the literature in individuals affected with RTEL1-related conditions. ClinVar contains an entry for this variant (Variation ID: 1415879). An algorithm developed to predict the effect of missense changes on protein structure and function outputs the following: PolyPhen-2: "Benign". The threonine amino acid residue is found in multiple mammalian species, which suggests that this missense change does not adversely affect protein function. In summary, the available evidence is currently insufficient to determine the role of this variant in disease. Therefore, it has been classified as a Variant of Uncertain Significance.

Ambry Genetics
Classification: Uncertain significance for Inborn genetic diseases. Last evaluated: 2025-04-03. Review status: criteria provided, single submitter. Criteria: Ambry Variant Classification Scheme 2023. Collection method: clinical testing. Allele origin: germline.
Comment: The p.A92T variant (also known as c.274G>A), located in coding exon 2 of the RTEL1 gene, results from a G to A substitution at nucleotide position 274. The alanine at codon 92 is replaced by threonine, an amino acid with similar properties. This amino acid position is conserved. In addition, this alteration is predicted to be tolerated by in silico analysis. Based on the available evidence, the clinical significance of this variant remains unclear.

NM_001283009.2(RTEL1):c.274G>A (p.Ala92Thr)

Genes: RTEL1 (regulator of telomere elongation helicase 1; plus strand), RTEL1-TNFRSF6B (RTEL1-TNFRSF6B readthrough (NMD candidate); plus strand). Cytogenetic location: 20q13.33.
Variant type: single nucleotide variant.
Coding change: c.274G>A on transcript NM_001283009.2 (MANE Select); coding-DNA position 274, G replaced by A.
Protein change: p.Ala92Thr; replaces alanine 92 with threonine.
Molecular consequence: missense variant. On other transcripts: non-coding transcript variant (1), 5 prime UTR variant (1).
Genome position (GRCh38, 1-based): chr20:63,661,469, G>A. VCF-style: chr20-63661469-G-A. GRCh37 (hg19) VCF-style: chr20-62292822-G-A.
Other names: c.-396G>A (NM_001283010.1); c.274G>A, p.Ala92Thr (NM_016434.4, NM_032957.5); short protein forms A92T.
Identifiers: ClinVar variation 1415879 (VCV001415879.5), dbSNP rs1404412328, ClinGen allele CA409658177.